The following is an entry in ClinVar:

ClinVar aggregate classification (germline): Uncertain significance. Review status: criteria provided, multiple submitters, no conflicts (2 of 4 stars). 2 submissions from 2 submitters: Uncertain significance (2). Last evaluated 2025-11-26.

Allele frequency attached by ClinVar (database versions not stated): gnomAD exomes below 0.00001.

Submissions (2):

Ambry Genetics
Classification: Uncertain significance. Last evaluated: 2025-11-26. Review status: criteria provided, single submitter. Criteria: Ambry Variant Classification Scheme 2023. Collection method: clinical testing. Allele origin: germline.

Labcorp Genetics (formerly Invitae), Labcorp
Classification: Uncertain significance. Last evaluated: 2022-03-09. Review status: criteria provided, single submitter. Criteria: Invitae Variant Classification Sherloc (09022015). Collection method: clinical testing. Allele origin: germline.
Comment: This sequence change replaces glutamic acid, which is acidic and polar, with glutamine, which is neutral and polar, at codon 475 of the SAMD11 protein (p.Glu475Gln). In summary, the available evidence is currently insufficient to determine the role of this variant in disease. Therefore, it has been classified as a Variant of Uncertain Significance. Algorithms developed to predict the effect of missense changes on protein structure and function are either unavailable or do not agree on the potential impact of this missense change (SIFT: "Deleterious"; PolyPhen-2: "Possibly Damaging"; Align-GVGD: "Class C0"). This variant has not been reported in the literature in individuals affected with SAMD11-related conditions. This variant is not present in population databases (gnomAD no frequency).

NM_001385641.1(SAMD11):c.1912G>C (p.Glu638Gln)

Gene: SAMD11 (sterile alpha motif domain containing 11; plus strand). Cytogenetic location: 1p36.33.
Variant type: single nucleotide variant.
Coding change: c.1912G>C on transcript NM_001385641.1 (MANE Select); coding-DNA position 1912, G replaced by C.
Protein change: p.Glu638Gln; replaces glutamic acid 638 with glutamine.
Molecular consequence: missense variant.
Genome position (GRCh38, 1-based): chr1:942,917, G>C. VCF-style: chr1-942917-G-C. GRCh37 (hg19) VCF-style: chr1-878297-G-C.
Other names: c.1423G>C (NM_152486.2); c.1915G>C, p.Glu639Gln (NM_001385640.1); c.1423G>C, p.Glu475Gln (NM_152486.4); short protein forms E475Q, E638Q, E639Q.
Identifiers: ClinVar variation 2152741 (VCV002152741.5), dbSNP rs1024693415, ClinGen allele CA16725345.